The following is an entry in ClinVar:

ClinVar aggregate classification (germline): Benign/Likely benign. Review status: criteria provided, multiple submitters, no conflicts (2 of 4 stars). 8 submissions from 7 submitters: Benign (3); Likely benign (5). Last evaluated 2026-08-01.

Conditions:
Familial cutaneous telangiectasia and oropharyngeal predisposition cancer syndrome. Identifiers: Orphanet 313846, MedGen C3281203, MONDO:0013806, OMIM 614564.
Seckel syndrome 1 (SCKL1). Also called: MICROCEPHALIC PRIMORDIAL DWARFISM I. Identifiers: Orphanet 808, MedGen C4551474, MONDO:0008869, OMIM 210600.

Allele frequency attached by ClinVar (database versions not stated): ESP Exome Variant Server 0.00054; TOPMed 0.00074; gnomAD 0.00078 and 0.00102; gnomAD exomes 0.00140 and 0.00220; ExAC 0.00231; 1000 Genomes Project 30x 0.00234; 1000 Genomes Project 0.00240.

Submissions (8):

CeGaT Center for Human Genetics Tuebingen
Classification: Benign. Last evaluated: 2026-08-01. Review status: criteria provided, single submitter. Criteria: CeGaT Center For Human Genetics Tuebingen Variant Classification Criteria Version 2. Collection method: clinical testing. Allele origin: germline. Affected: yes. Observed: 30 variant alleles.
Comment: ATR: BP4, BS1, BS2

Labcorp Genetics (formerly Invitae), Labcorp
Classification: Benign. Last evaluated: 2026-02-02. Review status: criteria provided, single submitter. Criteria: Invitae Variant Classification Sherloc (09022015). Collection method: clinical testing. Allele origin: germline.

Genomic Medicine Center of Excellence, King Faisal Specialist Hospital and Research Centre
Classification: Likely benign. Last evaluated: 2025-08-18. Review status: criteria provided, single submitter. Criteria: ACMG Guidelines, 2015. Collection method: clinical testing. Allele origin: germline.

Genome-Nilou Lab
Classification: Likely benign for Seckel syndrome 1. Last evaluated: 2023-02-08. Review status: criteria provided, single submitter. Criteria: ACMG Guidelines, 2015. Collection method: clinical testing. Allele origin: germline.

Genome-Nilou Lab
Classification: Likely benign for Familial cutaneous telangiectasia and oropharyngeal predisposition cancer syndrome. Last evaluated: 2023-02-08. Review status: criteria provided, single submitter. Criteria: ACMG Guidelines, 2015. Collection method: clinical testing. Allele origin: germline.

ARUP Laboratories, Molecular Genetics and Genomics, ARUP Laboratories
Classification: Likely benign. Last evaluated: 2019-12-18. Review status: criteria provided, single submitter. Criteria: ARUP Molecular Germline Variant Investigation Process. Collection method: clinical testing. Allele origin: germline.

Illumina Laboratory Services, Illumina
Classification: Benign for Seckel syndrome 1. Last evaluated: 2018-01-12. Review status: criteria provided, single submitter. Criteria: ICSL Variant Classification Criteria 13 December 2019. Collection method: clinical testing. Allele origin: germline.
Comment: This variant was observed in the ICSL laboratory as part of a predisposition screen in an ostensibly healthy population. It had not been previously curated by ICSL or reported in the Human Gene Mutation Database (HGMD: prior to June 1st, 2018), and was therefore a candidate for classification through an automated scoring system. Utilizing variant allele frequency, disease prevalence and penetrance estimates, and inheritance mode, an automated score was calculated to assess if this variant is too frequent to cause the disease. Based on the score and internal cut-off values, a variant classified as benign is not then subjected to further curation. The score for this variant resulted in a classification of benign for this disease.

Breakthrough Genomics
Classification: Likely benign. Review status: criteria provided, single submitter. Criteria: ACMG Guidelines, 2015. Collection method: not provided. Allele origin: germline. Inheritance: Autosomal recessive inheritance. Affected: yes.

NM_001184.4(ATR):c.5987T>C (p.Met1996Thr)

Gene: ATR (ATR checkpoint kinase; minus strand). Cytogenetic location: 3q23.
Variant type: single nucleotide variant.
Coding change: c.5987T>C on transcript NM_001184.4 (MANE Select); coding-DNA position 5987, T replaced by C.
Protein change: p.Met1996Thr; replaces methionine 1996 with threonine.
Molecular consequence: missense variant.
Genome position (GRCh38, 1-based): chr3:142,493,223, A>G on the plus strand (T>C on the coding strand, the complement: ATR is on the minus strand). VCF-style: chr3-142493223-A-G. GRCh37 (hg19) VCF-style: chr3-142212065-A-G.
Other names: c.5795T>C, p.Met1932Thr (NM_001354579.2); short protein forms M1996T, M1932T.
Identifiers: ClinVar variation 343597 (VCV000343597.48), dbSNP rs150339560, ClinGen allele CA2649441.
Genomic context (GRCh38, chr3:142,493,223, plus strand): 5'-AAGTTAGCTGTTTCTTCCATAAATCGGCCCACTAGTAGCATAGCTCGACCATGGATTAAC[A>G]TGTTCTTACCCTCAGGTGGGGTTTCATTTTCAGGAAAACATAATTCAACACCTTTTTGAA-3'
Protein context (NP_001175.2, residues 1986-2006): ENETPPEGKN[Met1996Thr]LIHGRAMLLV